The following is an entry in ClinVar:

ClinVar aggregate classification (germline): Uncertain significance (1 of 4 stars; one submission).

Submission:

GeneDx
Classification: Uncertain significance. Last evaluated: 2025-07-22. Review status: criteria provided, single submitter. Criteria: GeneDx Variant Classification Process June 2021. Collection method: clinical testing. Allele origin: germline. Affected: yes.
Comment: Not observed at significant frequency in large population cohorts (gnomAD); In silico analysis suggests that this missense variant does not alter protein structure/function; Also known as c.3050C>T; p.(Thr1017Ile); This variant is associated with the following publications: (PMID: 35982160, 35982159, 29346770, 31981491, 28714951)

NM_001348323.3(TRIP12):c.3131C>T (p.Thr1044Ile)

Gene: TRIP12 (thyroid hormone receptor interactor 12; minus strand). Cytogenetic location: 2q36.3.
Variant type: single nucleotide variant.
Coding change: c.3131C>T on transcript NM_001348323.3 (MANE Select); coding-DNA position 3131, C replaced by T.
Protein change: p.Thr1044Ile; replaces threonine 1044 with isoleucine.
Molecular consequence: missense variant.
Genome position (GRCh38, 1-based): chr2:229,802,327, G>A on the plus strand (C>T on the coding strand, the complement: TRIP12 is on the minus strand). VCF-style: chr2-229802327-G-A. GRCh37 (hg19) VCF-style: chr2-230667043-G-A.
Other names: c.3131C>T, p.Thr1044Ile (NM_001348319.1, NM_001348320.2, NM_001348322.1 and 4 more transcripts); c.3134C>T, p.Thr1045Ile (NM_001348321.1, NM_001348328.1, NM_001348329.2 and 1 more transcripts); c.2924C>T, p.Thr975Ile (NM_001348331.1); c.3044C>T, p.Thr1015Ile (NM_001348332.1); c.3053C>T, p.Thr1018Ile (NM_001348333.1); c.2906C>T, p.Thr969Ile (NM_004238.3); c.3050C>T, p.Thr1017Ile (NM_001284214.2, NM_001348315.2); c.3005C>T, p.Thr1002Ile (NM_001284215.2, NM_001348316.2, NM_001348317.1 and 1 more transcripts); and 1 more; short protein forms T1002I, T1015I, T1017I, T1018I, T1044I, T1045I, T699I, T969I.
Identifiers: ClinVar variation 4686748 (VCV004686748.1).